The following is an entry in ClinVar:

NM_001286.5(CLCN6):c.2488A>T (p.Met830Leu)

Genes: CLCN6 (Cl-/H+ antiporter 6; plus strand), LOC129929417 (ATAC-STARR-seq lymphoblastoid active region 178; plus strand). Cytogenetic location: 1p36.22.
Variant type: single nucleotide variant.
Coding change: c.2488A>T on transcript NM_001286.5 (MANE Select); coding-DNA position 2488, A replaced by T.
Protein change: p.Met830Leu; replaces methionine 830 with leucine.
Molecular consequence: missense variant. On other transcripts: non-coding transcript variant (1).
Genome position (GRCh38, 1-based): chr1:11,838,619, A>T. VCF-style: chr1-11838619-A-T. GRCh37 (hg19) VCF-style: chr1-11898676-A-T.
Other names: c.2422A>T, p.Met808Leu (NM_001256959.2); c.2488A>T (NM_001286.4, NM_001286.2); short protein forms M830L, M808L.
Identifiers: ClinVar variation 1474642 (VCV001474642.9), dbSNP rs1644980766, ClinGen allele CA338443783.

ClinVar aggregate classification (germline): Uncertain significance. Review status: criteria provided, multiple submitters, no conflicts (2 of 4 stars). 3 submissions from 3 submitters: Uncertain significance (3). Last evaluated 2025-11-07.

Conditions:
Neuronal ceroid lipofuscinosis 15. Also called: Neurodegeneration, childhood-onset, hypotonia, respiratory insufficiency and brain imaging abnormalities; Neurodegeneration, childhood-onset, with hypotonia, respiratory insufficiency, and brain imaging abnormalities. Identifiers: Orphanet 610573, MedGen C5543020, MONDO:0030947, OMIM 619173.

Allele frequency attached by ClinVar (database versions not stated): TOPMed 0.00001; gnomAD 0.00001.
gnomAD v4.1: 3 of 1,614,092 alleles (0.00019%); highest among the groups gnomAD compares: Admixed American, 0.005%; no homozygotes.

Submissions (3):

Ambry Genetics
Classification: Uncertain significance. Last evaluated: 2025-11-07. Review status: criteria provided, single submitter. Criteria: Ambry Variant Classification Scheme 2023. Collection method: clinical testing. Allele origin: germline.

Labcorp Genetics (formerly Invitae), Labcorp
Classification: Uncertain significance. Last evaluated: 2024-10-04. Review status: criteria provided, single submitter. Criteria: Invitae Variant Classification Sherloc (09022015). Collection method: clinical testing. Allele origin: germline.
Comment: This sequence change replaces methionine, which is neutral and non-polar, with leucine, which is neutral and non-polar, at codon 830 of the CLCN6 protein (p.Met830Leu). This variant is not present in population databases (gnomAD no frequency). This variant has not been reported in the literature in individuals affected with CLCN6-related conditions. ClinVar contains an entry for this variant (Variation ID: 1474642). An algorithm developed to predict the effect of missense changes on protein structure and function (PolyPhen-2) suggests that this variant is likely to be disruptive. In summary, the available evidence is currently insufficient to determine the role of this variant in disease. Therefore, it has been classified as a Variant of Uncertain Significance.

Revvity Omics, Revvity
Classification: Uncertain significance for Neuronal ceroid lipofuscinosis 15. Last evaluated: 2024-08-20. Review status: criteria provided, single submitter. Criteria: ACMG Guidelines, 2015. Collection method: clinical testing. Allele origin: germline.